The following is an entry in ClinVar:

ClinVar aggregate classification (germline): Uncertain significance. Review status: criteria provided, multiple submitters, no conflicts (2 of 4 stars). 4 submissions from 4 submitters: Uncertain significance (4). Last evaluated 2025-07-27.

Conditions:
Epiphyseal dysplasia, multiple, 3 (EDM3). Also called: COL9A3-Related Multiple Epiphyseal Dysplasia; Epiphyseal dysplasia, multiple, 3, with or without myopathy. Identifiers: MedGen C1832998, MONDO:0010964, OMIM 600969.
Intervertebral disc disorder (IDD). Also called: INTERVERTEBRAL DISC DISEASE; Lumbar disk degenerative disorder. Identifiers: MedGen C0158252, MONDO:0044339, OMIM 603932.

Allele frequency attached by ClinVar (database versions not stated): gnomAD 0.00004 and 0.00005; gnomAD exomes 0.00006 and 0.00015; TOPMed 0.00008; ExAC 0.00018; 1000 Genomes Project 0.00020; 1000 Genomes Project 30x 0.00031.
gnomAD v4.1: 94 of 1,613,764 alleles (0.0058%); highest among the groups gnomAD compares: East Asian, 0.038%; no homozygotes.

Submissions (4):

Labcorp Genetics (formerly Invitae), Labcorp
Classification: Uncertain significance. Last evaluated: 2025-07-27. Review status: criteria provided, single submitter. Criteria: Invitae Variant Classification Sherloc (09022015). Collection method: clinical testing. Allele origin: germline.
Comment: This sequence change replaces proline, which is neutral and non-polar, with leucine, which is neutral and non-polar, at codon 516 of the COL9A3 protein (p.Pro516Leu). This variant is present in population databases (rs201337557, gnomAD 0.1%). This variant has not been reported in the literature in individuals affected with COL9A3-related conditions. ClinVar contains an entry for this variant (Variation ID: 1214474). An algorithm developed to predict the effect of missense changes on protein structure and function (PolyPhen-2) suggests that this variant is likely to be disruptive. In summary, the available evidence is currently insufficient to determine the role of this variant in disease. Therefore, it has been classified as a Variant of Uncertain Significance.

Blueprint Genetics
Classification: Uncertain significance. Last evaluated: 2024-11-04. Review status: criteria provided, single submitter. Criteria: ACMG Guidelines, 2015. Collection method: clinical testing. Allele origin: germline.

Fulgent Genetics
Classification: Uncertain significance for Epiphyseal dysplasia, multiple, 3; Intervertebral disc disorder. Last evaluated: 2021-07-09. Review status: criteria provided, single submitter. Criteria: ACMG Guidelines, 2015. Collection method: clinical testing. Allele origin: unknown.

GeneDx
Classification: Uncertain significance. Last evaluated: 2019-06-14. Review status: criteria provided, single submitter. Criteria: GeneDx Variant Classification Process June 2021. Collection method: clinical testing. Allele origin: germline. Affected: yes.
Comment: Has not been previously published as pathogenic or benign to our knowledge; In silico analysis, which includes protein predictors and evolutionary conservation, supports a deleterious effect; This variant is associated with the following publications: (PMID: 31981491)

NM_001853.4(COL9A3):c.1547C>T (p.Pro516Leu)

Genes: COL9A3 (collagen type IX alpha 3 chain; plus strand), LOC126863084 (MED14-independent group 3 enhancer GRCh37_chr20:61467141-61468340; plus strand). Cytogenetic location: 20q13.33.
Variant type: single nucleotide variant.
Coding change: c.1547C>T on transcript NM_001853.4 (MANE Select); coding-DNA position 1547, C replaced by T.
Protein change: p.Pro516Leu; replaces proline 516 with leucine.
Molecular consequence: missense variant.
Genome position (GRCh38, 1-based): chr20:62,836,332, C>T. VCF-style: chr20-62836332-C-T. GRCh37 (hg19) VCF-style: chr20-61467684-C-T.
Other names: short protein forms P516L.
Identifiers: ClinVar variation 1214474 (VCV001214474.13), dbSNP rs201337557, ClinGen allele CA9950019.
Genomic context (GRCh38, chr20:62,836,332, plus strand): 5'-GTCCTCTGGGCCTGCAGGGCGTCCCGGGTGTTCCTGGCATCACGGGGAAGCCGGGAGTTC[C>T]GGTACGTCGCTTTTCCGGCTTTTCCAGCTTTCACAGGGTTGAGATCGTGTTTTTTCCGGA-3'
Protein context (NP_001844.3, residues 506-526): VPGITGKPGV[Pro516Leu]GKEASEQRIR